The following is an entry in ClinVar:

NM_004006.3(DMD):c.4979G>A (p.Trp1660Ter)

Gene: DMD (dystrophin; minus strand). Cytogenetic location: Xp21.1.
Variant type: single nucleotide variant.
Coding change: c.4979G>A on transcript NM_004006.3 (MANE Select); coding-DNA position 4979, G replaced by A.
Protein change: p.Trp1660Ter; replaces tryptophan 1660 with a stop codon.
Molecular consequence: nonsense.
Genome position (GRCh38, 1-based): chrX:32,365,066, C>T on the plus strand (G>A on the coding strand, the complement: DMD is on the minus strand). VCF-style: chrX-32365066-C-T. GRCh37 (hg19) VCF-style: chrX-32383183-C-T.
Other names: c.956G>A, p.Trp319Ter (NM_004011.4); c.947G>A, p.Trp316Ter (NM_004012.4); c.4955G>A, p.Trp1652Ter (NM_000109.4); c.4967G>A, p.Trp1656Ter (NM_004009.3); c.4610G>A, p.Trp1537Ter (NM_004010.3); c.4979G>A (NM_004006.2); short protein forms W1537*, W1652*, W1656*, W1660*, W316*, W319*.
Identifiers: ClinVar variation 983942 (VCV000983942.13), dbSNP rs2097849830, ClinGen allele CA412671906.

ClinVar aggregate classification (germline): Pathogenic/Likely pathogenic. Review status: criteria provided, multiple submitters, no conflicts (2 of 4 stars). 4 submissions from 4 submitters: Pathogenic (3); Likely pathogenic (1). Last evaluated 2026-04-01.

Conditions:
Becker muscular dystrophy, Cardiomyopathy, Duchenne muscular dystrophy, Dystrophin deficiency.
Duchenne muscular dystrophy (DMD). Also called: Duchenne Muscular Dystrophy (DMD); MUSCULAR DYSTROPHY, PSEUDOHYPERTROPHIC PROGRESSIVE, DUCHENNE TYPE. Identifiers: Orphanet 98896, MedGen C0013264, MONDO:0010679, OMIM 310200.
Progressive muscular dystrophy. Identifiers: Orphanet 206644, MedGen C4551827, MONDO:0016106.

Submissions (4):

CeGaT Center for Human Genetics Tuebingen
Classification: Pathogenic. Last evaluated: 2026-04-01. Review status: criteria provided, single submitter. Criteria: CeGaT Center For Human Genetics Tuebingen Variant Classification Criteria Version 2. Collection method: clinical testing. Allele origin: germline. Affected: yes. Observed: 1 variant allele.
Comment: DMD: PVS1, PM2, PS4:Supporting

Natera, Inc.
Classification: Pathogenic for Becker muscular dystrophy, Cardiomyopathy, Duchenne muscular dystrophy, Dystrophin deficiency. Last evaluated: 2025-03-28. Review status: criteria provided, single submitter. Criteria: Natera Variant Classification Schema (03/2026). Collection method: clinical testing. Allele origin: germline.
Comment: The c.4979G>A variant in DMD is a nonsense variant predicted to introduce a stop codon at amino acid 1660. This variant is expected to result in nonsense mediated decay, truncation, or a dysfunctional protein product. This variant is rare in the general population with a frequency below the threshold expected for the associated phenotype(s). This variant has been observed in affected individual(s) with monoallelic occurrence (heterozygous/hemizygous) (PMID: 33420945, 19959795). Given the available evidence, this variant is classified as Pathogenic.

Labcorp Genetics (formerly Invitae), Labcorp
Classification: Pathogenic for Duchenne muscular dystrophy. Last evaluated: 2022-10-10. Review status: criteria provided, single submitter. Criteria: Invitae Variant Classification Sherloc (09022015). Collection method: clinical testing. Allele origin: germline.
Comment: For these reasons, this variant has been classified as Pathogenic. Algorithms developed to predict the effect of sequence changes on RNA splicing suggest that this variant may create or strengthen a splice site. ClinVar contains an entry for this variant (Variation ID: 983942). This premature translational stop signal has been observed in individual(s) with Becker muscular dystrophy (PMID: 33420945). This variant is not present in population databases (gnomAD no frequency). This sequence change creates a premature translational stop signal (p.Trp1660*) in the DMD gene. It is expected to result in an absent or disrupted protein product. Loss-of-function variants in DMD are known to be pathogenic (PMID: 16770791, 25007885).

Myriad Genetics, Inc.
Classification: Likely pathogenic for Progressive muscular dystrophy. Last evaluated: 2019-03-02. Review status: criteria provided, single submitter. Criteria: Myriad Autosomal Dominant, Autosomal Recessive and X-Linked Classification Criteria (2023). Collection method: clinical testing. Allele origin: unknown.
Comment: NM_004006.2(DMD):c.4979G>A(W1660*) is expected to be pathogenic in the context of dystrophinopathy (including Duchenne/Becker muscular dystrophy). This variant is predicted to lead to an abnormal or absent protein product due to the creation of a premature termination codon in DMD, a gene where loss-of-function variants are known to be pathogenic. Please note: this variant was assessed in the context of healthy population screening.

Literature cited by the submitters: PubMed 33420945 (cited by Natera, Inc. and Labcorp Genetics (formerly Invitae), Labcorp); PubMed 19959795 (cited by Natera, Inc.); PubMed 16770791 (cited by Labcorp Genetics (formerly Invitae), Labcorp); PubMed 25007885 (cited by Labcorp Genetics (formerly Invitae), Labcorp).